The following is an entry in ClinVar:

NM_080732.4(EGLN2):c.46C>A (p.Gln16Lys)

Genes: EGLN2 (egl-9 family hypoxia inducible factor 2; plus strand), RAB4B-EGLN2 (RAB4B-EGLN2 readthrough (NMD candidate); plus strand). Cytogenetic location: 19q13.2.
Variant type: single nucleotide variant.
Coding change: c.46C>A on transcript NM_080732.4 (MANE Select); coding-DNA position 46, C replaced by A.
Protein change: p.Gln16Lys; replaces glutamine 16 with lysine.
Molecular consequence: missense variant. On other transcripts: non-coding transcript variant (1).
Genome position (GRCh38, 1-based): chr19:40,800,618, C>A. VCF-style: chr19-40800618-C-A. GRCh37 (hg19) VCF-style: chr19-41306523-C-A.
Other names: c.46C>A, p.Gln16Lys (NM_053046.4); short protein forms Q16K.
Identifiers: ClinVar variation 1742530 (VCV001742530.2), dbSNP rs2515992530, ClinGen allele CA405954452.

ClinVar aggregate classification (germline): Uncertain significance (1 of 4 stars; one submission).

Allele frequency attached by ClinVar (database versions not stated): gnomAD exomes 0.00002.
gnomAD v4.1: 26 of 1,613,130 alleles (0.0016%); highest among the groups gnomAD compares: Non-Finnish European, 0.002%; no homozygotes.

Submission:

Ambry Genetics
Classification: Uncertain significance. Last evaluated: 2024-01-21. Review status: criteria provided, single submitter. Criteria: Ambry Variant Classification Scheme 2023. Collection method: clinical testing. Allele origin: germline.
Comment: The p.Q16K variant (also known as c.46C>A), located in coding exon 1 of the EGLN2 gene, results from a C to A substitution at nucleotide position 46. The glutamine at codon 16 is replaced by lysine, an amino acid with similar properties. This amino acid position is conserved. In addition, this alteration is predicted to be tolerated by in silico analysis. Since supporting evidence is limited at this time, the clinical significance of this alteration remains unclear.